The following is an entry in ClinVar:

ClinVar aggregate classification (germline): Uncertain significance (1 of 4 stars; one submission).

Conditions:
NR0B2-related disorder. Also called: NR0B2-related condition.

gnomAD v4.1: 15 of 1,613,950 alleles (0.00093%); highest among the groups gnomAD compares: South Asian, 0.0033%; no homozygotes.

Submission:

PreventionGenetics, part of Exact Sciences
Classification: Uncertain significance for NR0B2-related condition. Last evaluated: 2026-08-20. Review status: criteria provided, single submitter. Criteria: ACMG Guidelines, 2015. Collection method: clinical testing. Allele origin: germline.
Comment: The NR0B2 c.713G>A variant is predicted to result in the amino acid substitution p.Arg238His. To our knowledge, this variant has not been reported in the literature. This variant is reported in 0.0065% of alleles in individuals of South Asian descent in gnomAD. At this time, the clinical significance of this variant is uncertain due to the absence of conclusive functional and genetic evidence.

NM_021969.3(NR0B2):c.713G>A (p.Arg238His)

Genes: NR0B2 (nuclear receptor subfamily 0 group B member 2; minus strand), NUDC (nuclear distribution C, dynein complex regulator; plus strand). Cytogenetic location: 1p36.11.
Variant type: single nucleotide variant.
Coding change: c.713G>A on transcript NM_021969.3 (MANE Select); coding-DNA position 713, G replaced by A.
Protein change: p.Arg238His; replaces arginine 238 with histidine.
Molecular consequence: missense variant.
Genome position (GRCh38, 1-based): chr1:26,911,906, C>T on the plus strand (G>A on the coding strand, the complement: NR0B2 is on the minus strand). VCF-style: chr1-26911906-C-T. GRCh37 (hg19) VCF-style: chr1-27238397-C-T.
Other names: short protein forms R238H.
Identifiers: ClinVar variation 4980921 (VCV004980921.1).